The following is an entry in ClinVar:

ClinVar aggregate classification (germline): Likely benign (1 of 4 stars; one submission).

Allele frequency attached by ClinVar (database versions not stated): gnomAD exomes below 0.00001.
gnomAD v4.1: 1 of 1,613,632 alleles (0.000062%); highest among the groups gnomAD compares: Non-Finnish European, 0.000085%; no homozygotes.

Submission:

CeGaT Center for Human Genetics Tuebingen
Classification: Likely benign. Last evaluated: 2022-03-01. Review status: criteria provided, single submitter. Criteria: CeGaT Center For Human Genetics Tuebingen Variant Classification Criteria Version 2. Collection method: clinical testing. Allele origin: germline. Affected: yes. Observed: 1 variant allele.
Comment: HDAC4: PM2:Supporting, BP4, BP7

NM_001378414.1(HDAC4):c.2488C>T (p.Leu830=)

Gene: HDAC4 (histone deacetylase 4; minus strand). Cytogenetic location: 2q37.3.
Variant type: single nucleotide variant.
Coding change: c.2488C>T on transcript NM_001378414.1 (MANE Select); coding-DNA position 2488, C replaced by T.
Protein change: p.Leu830=; no amino-acid change (leucine 830 retained).
Molecular consequence: synonymous variant.
Genome position (GRCh38, 1-based): chr2:239,084,199, G>A on the plus strand (C>T on the coding strand, the complement: HDAC4 is on the minus strand). VCF-style: chr2-239084199-G-A. GRCh37 (hg19) VCF-style: chr2-240005895-G-A.
Other names: c.2488C>T, p.Leu830= (NM_001378415.1); c.2473C>T, p.Leu825= (NM_001378416.1, NM_001378417.1, NM_006037.4).
Identifiers: ClinVar variation 2652069 (VCV002652069.24), dbSNP rs2152694620, ClinGen allele CA431978689.